The following is an entry in ClinVar:

ClinVar aggregate classification (germline): Uncertain significance (1 of 4 stars; one submission).

gnomAD v4.1: 11 of 1,614,198 alleles (0.00068%); highest among the groups gnomAD compares: Non-Finnish European, 0.00076%; no homozygotes.

Submission:

Labcorp Genetics (formerly Invitae), Labcorp
Classification: Uncertain significance. Last evaluated: 2023-09-27. Review status: criteria provided, single submitter. Criteria: Invitae Variant Classification Sherloc (09022015). Collection method: clinical testing. Allele origin: germline.
Comment: In summary, the available evidence is currently insufficient to determine the role of this variant in disease. Therefore, it has been classified as a Variant of Uncertain Significance. An algorithm developed to predict the effect of missense changes on protein structure and function (PolyPhen-2) suggests that this variant is likely to be tolerated. This variant has not been reported in the literature in individuals affected with ADAMTS17-related conditions. This variant is not present in population databases (gnomAD no frequency). This sequence change replaces glutamine, which is neutral and polar, with arginine, which is basic and polar, at codon 610 of the ADAMTS17 protein (p.Gln610Arg).

NM_139057.4(ADAMTS17):c.1829A>G (p.Gln610Arg)

Gene: ADAMTS17 (ADAM metallopeptidase with thrombospondin type 1 motif 17; minus strand). Cytogenetic location: 15q26.3.
Variant type: single nucleotide variant.
Coding change: c.1829A>G on transcript NM_139057.4 (MANE Select); coding-DNA position 1829, A replaced by G.
Protein change: p.Gln610Arg; replaces glutamine 610 with arginine.
Molecular consequence: missense variant.
Genome position (GRCh38, 1-based): chr15:100,116,906, T>C on the plus strand (A>G on the coding strand, the complement: ADAMTS17 is on the minus strand). VCF-style: chr15-100116906-T-C. GRCh37 (hg19) VCF-style: chr15-100657111-T-C.
Other names: short protein forms Q610R.
Identifiers: ClinVar variation 2998043 (VCV002998043.3), dbSNP rs2548351324, ClinGen allele CA393933244.
Genomic context (GRCh38, chr15:100,116,906, plus strand): 5'-CCGTCAACCACCACGGCTGTCAGCAGGCCTTTCTTCTTGGGGCTCAGCCGGTCGTGTGCC[T>C]GGCACTGCTGGTCCCGGAAGCTGGGCAGACCCTTGGGGCAGGGCAGGTTCTCGCAGACCG-3'
Protein context (NP_620688.2, residues 600-620): GLPSFRDQQC[Gln610Arg]AHDRLSPKKK